The following is an entry in ClinVar:

ClinVar aggregate classification (germline): Likely pathogenic (1 of 4 stars; one submission).

Conditions:
Neurodevelopmental disorder with cataracts, poor growth, and dysmorphic facies. Identifiers: MedGen C5231414, MONDO:0032817, OMIM 618571.

Submission:

Dasa
Classification: Likely pathogenic for Neurodevelopmental disorder with cataracts, poor growth, and dysmorphic facies. Last evaluated: 2025-01-10. Review status: criteria provided, single submitter. Criteria: DASA Assertion Criteria. Collection method: clinical testing. Allele origin: germline.
Comment: NM_001080453.3(INTS1):c.2408del (p.Lys803Serfs*51) is a frameshift variant in INTS1 predicted to alter the reading frame and introduce a premature termination codon and is predicted to result in an absent or altered protein product. Loss of function is an established disease mechanism for INTS1-associated disorders. Also, this variant is rare in population databases. Based on the currently available evidence, this variant is classified as likely pathogenic.

NM_001080453.3(INTS1):c.2408del (p.Lys803fs)

Gene: INTS1 (integrator complex subunit 1; minus strand). Cytogenetic location: 7p22.3.
Variant type: Deletion.
Coding change: c.2408del on transcript NM_001080453.3 (MANE Select); coding-DNA position 2408, one base deleted (A; older notation c.2408delA).
Protein change: p.Lys803fs; shifts the reading frame from lysine 803.
Molecular consequence: frameshift variant.
Genome position (GRCh38, 1-based): chr7:1,487,868, T deleted on the plus strand (A on the coding strand, the reverse complement: INTS1 is on the minus strand); the first of 2 consecutive T bases (chr7:1,487,868-1,487,869); deleting either gives the same sequence. VCF-style (leftmost placement, unchanged base first): chr7-1487867-CT-C. GRCh37 (hg19) VCF-style: chr7-1527503-CT-C.
Other names: short protein forms K803fs.
Identifiers: ClinVar variation 4881331 (VCV004881331.2).
Genomic context (GRCh38, chr7:1,487,867, plus strand): 5'-AGTGATGGTCTGCTTGGTGGACGCGGCCGCCAGGTGCCCCTCGAAGGCCAGGATCTCCTG[CT>C]TCTCCCGCTGGGCGGTCTGCAGCTCACGGTTCAGCATCTCCGTCCGGGTCTCCTCATCCG-3'